The following is an entry in ClinVar:

ClinVar aggregate classification (germline): Uncertain significance (1 of 4 stars; one submission).

Conditions:
Ataxia-telangiectasia syndrome (AT). Also called: Ataxia-telangiectasia, complementation group D; AT, COMPLEMENTATION GROUP C; ATAXIA-TELANGIECTASIA, COMPLEMENTATION GROUP A; ATAXIA-TELANGIECTASIA, FRESNO VARIANT; Ataxia-telangiectasia; Cerebello-oculocutaneous telangiectasia. Identifiers: Orphanet 100, MedGen C0004135, MONDO:0008840, OMIM 208900.

Submission:

Labcorp Genetics (formerly Invitae), Labcorp
Classification: Uncertain significance for Ataxia-telangiectasia syndrome. Last evaluated: 2024-04-29. Review status: criteria provided, single submitter. Criteria: Invitae Variant Classification Sherloc (09022015). Collection method: clinical testing. Allele origin: germline.
Comment: This sequence change replaces arginine, which is basic and polar, with serine, which is neutral and polar, at codon 189 of the ATM protein (p.Arg189Ser). This variant is not present in population databases (gnomAD no frequency). This variant has not been reported in the literature in individuals affected with ATM-related conditions. ClinVar contains an entry for this variant (Variation ID: 1001382). An algorithm developed to predict the effect of missense changes on protein structure and function (PolyPhen-2) suggests that this variant is likely to be disruptive. In summary, the available evidence is currently insufficient to determine the role of this variant in disease. Therefore, it has been classified as a Variant of Uncertain Significance.

NM_000051.4(ATM):c.567A>T (p.Arg189Ser)

Gene: ATM (ATM serine/threonine kinase; plus strand). Cytogenetic location: 11q22.3.
Variant type: single nucleotide variant.
Coding change: c.567A>T on transcript NM_000051.4 (MANE Select); coding-DNA position 567, A replaced by T.
Protein change: p.Arg189Ser; replaces arginine 189 with serine.
Molecular consequence: missense variant.
Genome position (GRCh38, 1-based): chr11:108,244,023, A>T. VCF-style: chr11-108244023-A-T. GRCh37 (hg19) VCF-style: chr11-108114750-A-T.
Other names: c.567A>T, p.Arg189Ser (NM_001351834.2); short protein forms R189S.
Identifiers: ClinVar variation 1001382 (VCV001001382.8), dbSNP rs1555066398, ClinGen allele CA382527826.